The following is an entry in ClinVar:

ClinVar aggregate classification (germline): Uncertain significance (1 of 4 stars; one submission).

Conditions:
Capillary malformation-arteriovenous malformation 1 (CMAVM1). Identifiers: Orphanet 137667, Orphanet 693907, MedGen C4747394, MONDO:0020783, OMIM 608354.

gnomAD v4.1: 1 of 1,613,684 alleles (0.000062%); no homozygotes.

Submission:

Labcorp Genetics (formerly Invitae), Labcorp
Classification: Uncertain significance for Capillary malformation-arteriovenous malformation. Last evaluated: 2018-04-04. Review status: criteria provided, single submitter. Criteria: Invitae Variant Classification Sherloc (09022015). Collection method: clinical testing. Allele origin: germline.
Comment: This sequence change replaces asparagine with serine at codon 587 of the RASA1 protein (p.Asn587Ser). The asparagine residue is moderately conserved and there is a small physicochemical difference between asparagine and serine. This variant is not present in population databases (ExAC no frequency). This variant has not been reported in the literature in individuals with RASA1-related disease. Algorithms developed to predict the effect of missense changes on protein structure and function (SIFT, PolyPhen-2, Align-GVGD) all suggest that this variant is likely to be tolerated, but these predictions have not been confirmed by published functional studies and their clinical significance is uncertain. In summary, the available evidence is currently insufficient to determine the role of this variant in disease. Therefore, it has been classified as a Variant of Uncertain Significance.

NM_002890.3(RASA1):c.1760A>G (p.Asn587Ser)

Genes: CCNH (cyclin H; minus strand), RASA1 (RAS p21 protein activator 1; plus strand). Cytogenetic location: 5q14.3.
Variant type: single nucleotide variant.
Coding change: c.1760A>G on transcript NM_002890.3 (MANE Select); coding-DNA position 1760, A replaced by G.
Protein change: p.Asn587Ser; replaces asparagine 587 with serine.
Molecular consequence: missense variant. On other transcripts: intron variant (1).
Genome position (GRCh38, 1-based): chr5:87,372,179, A>G. VCF-style: chr5-87372179-A-G. GRCh37 (hg19) VCF-style: chr5-86667996-A-G.
Other names: c.1229A>G, p.Asn410Ser (NM_022650.3); c.933+22865T>C (NM_001364075.2); short protein forms N587S, N410S.
Identifiers: ClinVar variation 581560 (VCV000581560.3), dbSNP rs894219060, ClinGen allele CA121807163.